The following is an entry in ClinVar:

NM_001135659.3:c.(?_-921)_(931+1_932-1)del

Gene: NRXN1 (neurexin 1; minus strand).
Variant type: Deletion.
Other names: c.(?_-921)_(931+1_932-1)del (NM_001135659.3).
Identifiers: ClinVar variation 1299323 (VCV001299323.1).

ClinVar aggregate classification (germline): Pathogenic (1 of 4 stars; one submission).

Conditions:
Moderate global developmental delay. Identifiers: MedGen C2237142, HP:0011343.
Mild microcephaly. Identifiers: MedGen C1836806, HP:0040196.
Autism (AUTS). Also called: Autistic disorder; Autistic disorder of childhood onset. Identifiers: MedGen C0004352, MeSH D001321, MONDO:0005260, OMIM 209850, HP:0000717.
Hyperopia, high. Identifiers: MedGen C1855925, MONDO:0009392, OMIM 238950, HP:0008499.
Mild intellectual disability. Identifiers: MedGen C0026106, HP:0001256.

Submission:

Institute of Human Genetics, University of Leipzig Medical Center
Classification: Pathogenic for Autism; Mild intellectual disability; Hyperopia, high; Moderate global developmental delay; Mild microcephaly. Last evaluated: 2021-09-20. Review status: criteria provided, single submitter. Criteria: ACMG Guidelines, 2015. Collection method: clinical testing. Allele origin: paternal. Affected: yes.
Comment: Deletion of Exons 2-6, possibly also Exon 1